The following is an entry in ClinVar:

NM_000338.3(SLC12A1):c.1652C>T (p.Thr551Ile)

Gene: SLC12A1 (solute carrier family 12 member 1; plus strand). Cytogenetic location: 15q21.1.
Variant type: single nucleotide variant.
Coding change: c.1652C>T on transcript NM_000338.3 (MANE Select); coding-DNA position 1652, C replaced by T.
Protein change: p.Thr551Ile; replaces threonine 551 with isoleucine.
Molecular consequence: missense variant.
Genome position (GRCh38, 1-based): chr15:48,247,428, C>T. VCF-style: chr15-48247428-C-T. GRCh37 (hg19) VCF-style: chr15-48539625-C-T.
Other names: c.1652C>T, p.Thr551Ile (NM_001184832.2, NM_001384136.1); short protein forms T551I.
Identifiers: ClinVar variation 1687553 (VCV001687553.1), dbSNP rs1186967754, ClinGen allele CA392312554.

ClinVar aggregate classification (germline): Uncertain significance (1 of 4 stars; one submission).

Conditions:
Bartter disease type 1. Also called: HYPERPROSTAGLANDIN E SYNDROME 1; HYPOKALEMIC ALKALOSIS WITH HYPERCALCIURIA 1, ANTENATAL; Bartter syndrome, type 1, antenatal; Bartter Syndrome type 1. Identifiers: Orphanet 112, Orphanet 620217, MedGen C1866495, MONDO:0100344, OMIM 601678, MONDO:0011127.

Allele frequency attached by ClinVar (database versions not stated): gnomAD exomes below 0.00001 and 0.00002; gnomAD 0.00001.
gnomAD v4.1: 35 of 1,609,548 alleles (0.0022%); highest among the groups gnomAD compares: South Asian, 0.0066%; no homozygotes.

Submission:

3billion
Classification: Uncertain significance for Bartter disease type 1. Last evaluated: 2022-05-22. Review status: criteria provided, single submitter. Criteria: ACMG Guidelines, 2015. Collection method: clinical testing. Allele origin: germline. Affected: yes. Observed: 1 homozygote.
Comment: The variant is observed at an extremely low frequency in the gnomAD v2.1.1 dataset (total allele frequency: <0.001%). In silico tool predictions suggest damaging effect of the variant on gene or gene product (REVEL: 0.96; 3Cnet: 0.82). Therefore, this variant is classified as uncertain significanceaccording to the recommendation of ACMG/AMP guideline.